The following is an entry in ClinVar:

NM_206933.4(USH2A):c.11327A>G (p.Tyr3776Cys)

Gene: USH2A (usherin; minus strand). Cytogenetic location: 1q41.
Variant type: single nucleotide variant.
Coding change: c.11327A>G on transcript NM_206933.4 (MANE Select); coding-DNA position 11327, A replaced by G.
Protein change: p.Tyr3776Cys; replaces tyrosine 3776 with cysteine.
Molecular consequence: missense variant.
Genome position (GRCh38, 1-based): chr1:215,758,657, T>C on the plus strand (A>G on the coding strand, the complement: USH2A is on the minus strand). VCF-style: chr1-215758657-T-C. GRCh37 (hg19) VCF-style: chr1-215931999-T-C.
Other names: c.11327A>G (NM_206933.2); short protein forms Y3776C.
Identifiers: ClinVar variation 1052454 (VCV001052454.9), dbSNP rs926540982, ClinGen allele CA37425462.

ClinVar aggregate classification (germline): Uncertain significance. Review status: criteria provided, multiple submitters, no conflicts (2 of 4 stars). 2 submissions from 2 submitters: Uncertain significance (2). Last evaluated 2026-09-25.

Allele frequency attached by ClinVar (database versions not stated): gnomAD exomes 0.00001.
gnomAD v4.1: 17 of 1,613,890 alleles (0.0011%); highest among the groups gnomAD compares: Non-Finnish European, 0.0013%; no homozygotes.

Submissions (2):

GeneDx
Classification: Uncertain significance. Last evaluated: 2026-09-25. Review status: criteria provided, single submitter. Criteria: GeneDx Variant Classification Process June 2021. Collection method: clinical testing. Allele origin: germline.
Comment: Not observed at significant frequency in large population cohorts (gnomAD); In silico analysis suggests that this missense variant does not alter protein structure/function; Has not been previously published as pathogenic or benign to our knowledge

Labcorp Genetics (formerly Invitae), Labcorp
Classification: Uncertain significance. Last evaluated: 2022-02-04. Review status: criteria provided, single submitter. Criteria: Invitae Variant Classification Sherloc (09022015). Collection method: clinical testing. Allele origin: germline.
Comment: In summary, the available evidence is currently insufficient to determine the role of this variant in disease. Therefore, it has been classified as a Variant of Uncertain Significance. Algorithms developed to predict the effect of missense changes on protein structure and function are either unavailable or do not agree on the potential impact of this missense change (SIFT: "Deleterious"; PolyPhen-2: "Benign"; Align-GVGD: "Class C15"). ClinVar contains an entry for this variant (Variation ID: 1052454). This variant has not been reported in the literature in individuals affected with USH2A-related conditions. This variant is not present in population databases (gnomAD no frequency). This sequence change replaces tyrosine, which is neutral and polar, with cysteine, which is neutral and slightly polar, at codon 3776 of the USH2A protein (p.Tyr3776Cys).